The following is an entry in ClinVar:

NM_001376.5(DYNC1H1):c.7726C>T (p.Arg2576Cys)

Gene: DYNC1H1 (dynein cytoplasmic 1 heavy chain 1; plus strand). Cytogenetic location: 14q32.31.
Variant type: single nucleotide variant.
Coding change: c.7726C>T on transcript NM_001376.5 (MANE Select); coding-DNA position 7726, C replaced by T.
Protein change: p.Arg2576Cys; replaces arginine 2576 with cysteine.
Molecular consequence: missense variant.
Genome position (GRCh38, 1-based): chr14:102,016,877, C>T. VCF-style: chr14-102016877-C-T. GRCh37 (hg19) VCF-style: chr14-102483214-C-T.
Other names: short protein forms R2576C.
Identifiers: ClinVar variation 836605 (VCV000836605.9), dbSNP rs2048329586, ClinGen allele CA391002776.

ClinVar aggregate classification (germline): Uncertain significance (1 of 4 stars; one submission).

Conditions:
Charcot-Marie-Tooth disease axonal type 2O. Also called: Charcot-Marie-Tooth Neuropathy Type 2O; CHARCOT-MARIE-TOOTH NEUROPATHY, AXONAL, TYPE 2O; CHARCOT-MARIE-TOOTH DISEASE, AXONAL, AUTOSOMAL DOMINANT, TYPE 2O; Charcot-Marie-Tooth disease, axonal, type 20. Identifiers: Orphanet 284232, MedGen C3280220, MONDO:0013644, OMIM 614228.

Allele frequency attached by ClinVar (database versions not stated): gnomAD exomes below 0.00001.
gnomAD v4.1: 2 of 1,614,196 alleles (0.00012%); highest among the groups gnomAD compares: Non-Finnish European, 0.00017%; no homozygotes.

Submission:

Labcorp Genetics (formerly Invitae), Labcorp
Classification: Uncertain significance for Charcot-Marie-Tooth disease axonal type 2O. Last evaluated: 2019-03-28. Review status: criteria provided, single submitter. Criteria: Invitae Variant Classification Sherloc (09022015). Collection method: clinical testing. Allele origin: germline.
Comment: This sequence change replaces arginine with cysteine at codon 2576 of the DYNC1H1 protein (p.Arg2576Cys). The arginine residue is highly conserved and there is a large physicochemical difference between arginine and cysteine. In summary, the available evidence is currently insufficient to determine the role of this variant in disease. Therefore, it has been classified as a Variant of Uncertain Significance. Algorithms developed to predict the effect of missense changes on protein structure and function are either unavailable or do not agree on the potential impact of this missense change (SIFT: "Deleterious"; PolyPhen-2: "Probably Damaging"; Align-GVGD: "Class C0"). This variant has not been reported in the literature in individuals with DYNC1H1-related conditions. This variant is not present in population databases (ExAC no frequency).